The following is an entry in ClinVar:

NM_016204.4(GDF2):c.968C>T (p.Ala323Val)

Gene: GDF2 (growth differentiation factor 2; plus strand). Cytogenetic location: 10q11.22.
Variant type: single nucleotide variant.
Coding change: c.968C>T on transcript NM_016204.4 (MANE Select); coding-DNA position 968, C replaced by T.
Protein change: p.Ala323Val; replaces alanine 323 with valine.
Molecular consequence: missense variant.
Genome position (GRCh38, 1-based): chr10:47,325,462, C>T. VCF-style: chr10-47325462-C-T. GRCh37 (hg19) VCF-style: chr10-48413900-G-A.
Other names: short protein forms A323V.
Identifiers: ClinVar variation 1767793 (VCV001767793.2), dbSNP rs1234778773, ClinGen allele CA376656628.
Genomic context (GRCh38, chr10:47,325,462, plus strand): 5'-ACACGGATGGCCACGTGGCTGCGGGGTCGACTTTAGCCAGGCGGAAAAGGAGCGCCGGGG[C>T]TGGCAGCCACTGTCAAAAGACCTCCCTGCGGGTAAACTTCGAGGACATCGGCTGGGACAG-3'
Protein context (NP_057288.1, residues 313-333): TLARRKRSAG[Ala323Val]GSHCQKTSLR

ClinVar aggregate classification (germline): Uncertain significance (1 of 4 stars; one submission).

Conditions:
Cardiovascular phenotype. Identifiers: MedGen CN230736.

Allele frequency attached by ClinVar (database versions not stated): gnomAD exomes below 0.00001; TOPMed below 0.00001; gnomAD 0.00001.

Submission:

Ambry Genetics
Classification: Uncertain significance for Cardiovascular phenotype. Last evaluated: 2017-05-19. Review status: criteria provided, single submitter. Criteria: Ambry Variant Classification Scheme 2023. Collection method: clinical testing. Allele origin: germline.
Comment: The p.A323V variant (also known as c.968C>T), located in coding exon 2 of the GDF2 gene, results from a C to T substitution at nucleotide position 968. The alanine at codon 323 is replaced by valine, an amino acid with similar properties. Since supporting evidence is limited at this time, the clinical significance of this alteration remains unclear.